The following is an entry in ClinVar:

ClinVar aggregate classification (germline): Uncertain significance (1 of 4 stars; one submission).

Conditions:
Duchenne muscular dystrophy (DMD). Also called: MUSCULAR DYSTROPHY, PSEUDOHYPERTROPHIC PROGRESSIVE, DUCHENNE TYPE; Duchenne Muscular Dystrophy (DMD). Identifiers: Orphanet 98896, MedGen C0013264, MONDO:0010679, OMIM 310200.

Submission:

Labcorp Genetics (formerly Invitae), Labcorp
Classification: Uncertain significance for Duchenne muscular dystrophy. Last evaluated: 2025-12-24. Review status: criteria provided, single submitter. Criteria: Invitae Variant Classification Sherloc (09022015). Collection method: clinical testing. Allele origin: germline.
Comment: This sequence change replaces proline, which is neutral and non-polar, with leucine, which is neutral and non-polar, at codon 318 of the DMD protein (p.Pro318Leu). This variant is not present in population databases (gnomAD no frequency). This variant has not been reported in the literature in individuals affected with DMD-related conditions. Invitae Evidence Modeling of protein sequence and biophysical properties (such as structural, functional, and spatial information, amino acid conservation, physicochemical variation, residue mobility, and thermodynamic stability) indicates that this missense variant is not expected to disrupt DMD protein function with a negative predictive value of 95%. In summary, the available evidence is currently insufficient to determine the role of this variant in disease. Therefore, it has been classified as a Variant of Uncertain Significance.

NM_004006.3(DMD):c.953C>T (p.Pro318Leu)

Gene: DMD (dystrophin; minus strand). Cytogenetic location: Xp21.1.
Variant type: single nucleotide variant.
Coding change: c.953C>T on transcript NM_004006.3 (MANE Select); coding-DNA position 953, C replaced by T.
Protein change: p.Pro318Leu; replaces proline 318 with leucine.
Molecular consequence: missense variant.
Genome position (GRCh38, 1-based): chrX:32,697,877, G>A on the plus strand (C>T on the coding strand, the complement: DMD is on the minus strand). VCF-style: chrX-32697877-G-A. GRCh37 (hg19) VCF-style: chrX-32715994-G-A.
Other names: c.929C>T, p.Pro310Leu (NM_000109.4); c.941C>T, p.Pro314Leu (NM_004009.3); c.584C>T, p.Pro195Leu (NM_004010.3); short protein forms P195L, P314L, P318L, P310L.
Identifiers: ClinVar variation 4738802 (VCV004738802.1).